The following is an entry in ClinVar:

NM_015474.4(SAMHD1):c.626G>A (p.Gly209Asp)

Gene: SAMHD1 (SAM and HD domain containing deoxynucleoside triphosphate triphosphohydrolase 1; minus strand). Cytogenetic location: 20q11.23.
Variant type: single nucleotide variant.
Coding change: c.626G>A on transcript NM_015474.4 (MANE Select); coding-DNA position 626, G replaced by A.
Protein change: p.Gly209Asp; replaces glycine 209 with aspartic acid.
Molecular consequence: missense variant.
Genome position (GRCh38, 1-based): chr20:36,927,252, C>T on the plus strand (G>A on the coding strand, the complement: SAMHD1 is on the minus strand). VCF-style: chr20-36927252-C-T. GRCh37 (hg19) VCF-style: chr20-35555655-C-T.
Other names: c.626G>A, p.Gly209Asp (NM_001363729.2, NM_001363733.2); short protein forms G209D.
Identifiers: ClinVar variation 2131681 (VCV002131681.4), dbSNP rs2515254439, ClinGen allele CA408821731.

ClinVar aggregate classification (germline): Uncertain significance (1 of 4 stars; one submission).

Conditions:
Aicardi-Goutieres syndrome 5. Identifiers: Orphanet 51, MedGen C2749659, MONDO:0013059, OMIM 612952.

Submission:

Labcorp Genetics (formerly Invitae), Labcorp
Classification: Uncertain significance for Aicardi-Goutieres syndrome 5. Last evaluated: 2022-05-12. Review status: criteria provided, single submitter. Criteria: Invitae Variant Classification Sherloc (09022015). Collection method: clinical testing. Allele origin: germline.
Comment: This sequence change replaces glycine, which is neutral and non-polar, with aspartic acid, which is acidic and polar, at codon 209 of the SAMHD1 protein (p.Gly209Asp). In summary, the available evidence is currently insufficient to determine the role of this variant in disease. Therefore, it has been classified as a Variant of Uncertain Significance. Algorithms developed to predict the effect of sequence changes on RNA splicing suggest that this variant may create or strengthen a splice site. Algorithms developed to predict the effect of missense changes on protein structure and function are either unavailable or do not agree on the potential impact of this missense change (SIFT: "Deleterious"; PolyPhen-2: "Probably Damaging"; Align-GVGD: "Class C0"). This variant has not been reported in the literature in individuals affected with SAMHD1-related conditions. This variant is not present in population databases (gnomAD no frequency).